The following is an entry in ClinVar:

NM_001159699.2(FHL1):c.108del (p.Gln37fs)

Gene: FHL1 (four and a half LIM domains 1; plus strand). Cytogenetic location: Xq26.3.
Variant type: Deletion.
Coding change: c.108del on transcript NM_001159699.2 (MANE Select); coding-DNA position 108, one base deleted (G; older notation c.108delG).
Protein change: p.Gln37fs; shifts the reading frame from glutamine 37.
Molecular consequence: frameshift variant. On other transcripts: non-coding transcript variant (1).
Genome position (GRCh38, 1-based): chrX:136,206,492, G deleted. VCF-style (leftmost placement, unchanged base first): chrX-136206491-TG-T. GRCh37 (hg19) VCF-style: chrX-135288650-TG-T.
Other names: c.60del (NM_001449.4); c.60del, p.Gln21fs (NM_001159700.2, NM_001159702.3, NM_001159703.2 and 9 more transcripts); c.147del, p.Gln50fs (NM_001159701.2); c.108del, p.Gln37fs (NM_001330659.2); short protein forms Q21fs, Q37fs, Q50fs.
Identifiers: ClinVar variation 410317 (VCV000410317.11), dbSNP rs1060502840, ClinGen allele CA16616433.

ClinVar aggregate classification (germline): Pathogenic (1 of 4 stars; one submission).

Conditions:
X-linked myopathy with postural muscle atrophy. Also called: FHL1-Related Emery-Dreifuss Muscular Dystrophy, X-Linked. Identifiers: Orphanet 178461, MedGen C2678055, MONDO:0010401, OMIM 300696.

Submission:

Labcorp Genetics (formerly Invitae), Labcorp
Classification: Pathogenic for X-linked myopathy with postural muscle atrophy. Last evaluated: 2026-02-02. Review status: criteria provided, single submitter. Criteria: Invitae Variant Classification Sherloc (09022015). Collection method: clinical testing. Allele origin: germline.
Comment: This sequence change creates a premature translational stop signal (p.Gln21Lysfs*9) in the FHL1 gene. It is expected to result in an absent or disrupted protein product. Loss-of-function variants in FHL1 are known to be pathogenic (PMID: 18179888, 19687455, 19716112, 22523091, 24114807). This variant is not present in population databases (gnomAD no frequency). This premature translational stop signal has been observed in individual(s) with FHL1-related conditions (internal data). ClinVar contains an entry for this variant (Variation ID: 410317). For these reasons, this variant has been classified as Pathogenic.

Literature cited by the submitters: PubMed 18179888; PubMed 19687455; PubMed 19716112; PubMed 22523091; PubMed 24114807.